The following is an entry in ClinVar:

NM_000135.4(FANCA):c.428A>T (p.Lys143Met)

Gene: FANCA (FA complementation group A; minus strand). Cytogenetic location: 16q24.3.
Variant type: single nucleotide variant.
Coding change: c.428A>T on transcript NM_000135.4 (MANE Select); coding-DNA position 428, A replaced by T.
Protein change: p.Lys143Met; replaces lysine 143 with methionine.
Molecular consequence: missense variant. On other transcripts: intron variant (1).
Genome position (GRCh38, 1-based): chr16:89,810,801, T>A on the plus strand (A>T on the coding strand, the complement: FANCA is on the minus strand). VCF-style: chr16-89810801-T-A. GRCh37 (hg19) VCF-style: chr16-89877209-T-A.
Other names: c.428A>T, p.Lys143Met (NM_001018112.3, NM_001286167.3); c.426+128A>T (NM_001351830.2); short protein forms K143M.
Identifiers: ClinVar variation 5036347 (VCV005036347.1).

ClinVar aggregate classification (germline): Uncertain significance (1 of 4 stars; one submission).

Conditions:
Inborn genetic diseases. Identifiers: MedGen C0950123, MeSH D030342.

Submission:

Ambry Genetics
Classification: Uncertain significance for Inborn genetic diseases. Last evaluated: 2026-07-11. Review status: criteria provided, single submitter. Criteria: Ambry Variant Classification Scheme 2023. Collection method: clinical testing. Allele origin: germline.
Comment: The p.K143M variant (also known as c.428A>T), located in coding exon 5 of the FANCA gene, results from an A to T substitution at nucleotide position 428. The lysine at codon 143 is replaced by methionine, an amino acid with similar properties. This amino acid position is conserved. In addition, this alteration is predicted to be tolerated by in silico analysis. Based on the available evidence, the clinical significance of this variant remains unclear.